The following is an entry in ClinVar:

NM_017617.5(NOTCH1):c.3644-152G>C

Gene: NOTCH1 (notch receptor 1; minus strand). Cytogenetic location: 9q34.3.
Variant type: single nucleotide variant.
Coding change: c.3644-152G>C on transcript NM_017617.5 (MANE Select); 152 bases into the intron before coding-DNA position 3644, G replaced by C.
Molecular consequence: intron variant.
Genome position (GRCh38, 1-based): chr9:136,507,125, C>G on the plus strand (G>C on the coding strand, the complement: NOTCH1 is on the minus strand). VCF-style: chr9-136507125-C-G. GRCh37 (hg19) VCF-style: chr9-139401577-C-G.
Identifiers: ClinVar variation 678562 (VCV000678562.1), dbSNP rs3829116, ClinGen allele CA13004106.

ClinVar aggregate classification (germline): Benign (1 of 4 stars; one submission).

Allele frequency attached by ClinVar (database versions not stated): gnomAD 0.48987; TOPMed 0.49115; 1000 Genomes Project 30x 0.56855; 1000 Genomes Project 0.57228.
gnomAD v4.1: 650,536 of 1,447,784 alleles (45%); highest among the groups gnomAD compares: East Asian, 84%; 151,864 homozygotes.

Submission:

GeneDx
Classification: Benign. Last evaluated: 2018-06-14. Review status: criteria provided, single submitter. Criteria: GeneDx Variant Classification (06012015). Collection method: clinical testing. Allele origin: germline. Affected: yes.
Comment: This variant is considered likely benign or benign based on one or more of the following criteria: it is a conservative change, it occurs at a poorly conserved position in the protein, it is predicted to be benign by multiple in silico algorithms, and/or has population frequency not consistent with disease.